The following is an entry in ClinVar:

ClinVar aggregate classification (germline): Uncertain significance (1 of 4 stars; one submission).

Submission:

Ambry Genetics
Classification: Uncertain significance. Last evaluated: 2022-05-06. Review status: criteria provided, single submitter. Criteria: Ambry Variant Classification Scheme 2023. Collection method: clinical testing. Allele origin: germline.
Comment: The p.I394L variant (also known as c.1180A>C), located in coding exon 3 of the TERF2IP gene, results from an A to C substitution at nucleotide position 1180. The isoleucine at codon 394 is replaced by leucine, an amino acid with highly similar properties. This amino acid position is conserved. In addition, this alteration is predicted to be tolerated by in silico analysis. Since supporting evidence is limited at this time, the clinical significance of this alteration remains unclear.

NM_018975.4(TERF2IP):c.1180A>C (p.Ile394Leu)

Gene: TERF2IP (TERF2 interacting protein; plus strand). Cytogenetic location: 16q23.1.
Variant type: single nucleotide variant.
Coding change: c.1180A>C on transcript NM_018975.4 (MANE Select); coding-DNA position 1180, A replaced by C.
Protein change: p.Ile394Leu; replaces isoleucine 394 with leucine.
Molecular consequence: missense variant. On other transcripts: non-coding transcript variant (1).
Genome position (GRCh38, 1-based): chr16:75,656,591, A>C. VCF-style: chr16-75656591-A-C. GRCh37 (hg19) VCF-style: chr16-75690489-A-C.
Other names: short protein forms I394L.
Identifiers: ClinVar variation 1742065 (VCV001742065.2), dbSNP rs2507090083, ClinGen allele CA396820434.